The following is an entry in ClinVar:

NM_000059.4(BRCA2):c.6329A>G (p.Asp2110Gly)

Gene: BRCA2 (BRCA2 DNA repair associated; plus strand). Cytogenetic location: 13q13.1.
Variant type: single nucleotide variant.
Coding change: c.6329A>G on transcript NM_000059.4 (MANE Select); coding-DNA position 6329, A replaced by G.
Protein change: p.Asp2110Gly; replaces aspartic acid 2110 with glycine.
Molecular consequence: missense variant.
Genome position (GRCh38, 1-based): chr13:32,340,684, A>G. VCF-style: chr13-32340684-A-G. GRCh37 (hg19) VCF-style: chr13-32914821-A-G.
Other names: short protein forms D2110G.
Identifiers: ClinVar variation 826326 (VCV000826326.10), dbSNP rs80358873, ClinGen allele CA387789077.

ClinVar aggregate classification (germline): Conflicting classifications of pathogenicity. Review status: criteria provided, conflicting classifications (1 of 4 stars). 3 submissions from 3 submitters: Uncertain significance (1); Likely benign (2). Last evaluated 2025-02-11.

Conditions:
Hereditary breast ovarian cancer syndrome. Also called: Hereditary breast and ovarian cancer syndrome; Hereditary breast and ovarian cancer; Hereditary breast and ovarian cancer syndrome (HBOC); Breast and ovarian cancer; Hereditary breast and/or ovarian cancer syndrome; BRCA1- and BRCA2-Associated Hereditary Breast and Ovarian Cancer. Identifiers: Orphanet 145, MedGen C0677776, MeSH D061325, MONDO:0003582. Disease mechanism: loss of function.
Hereditary cancer-predisposing syndrome. Also called: Neoplastic Syndromes, Hereditary; Tumor predisposition; Hereditary neoplastic syndrome; Hereditary Cancer Syndrome. Identifiers: Orphanet 140162, MedGen C0027672, MeSH D009386, MONDO:0015356.

Allele frequency attached by ClinVar (database versions not stated): gnomAD 0.00001.
gnomAD v4.1: 2 of 1,608,918 alleles (0.00012%); highest among the groups gnomAD compares: African/African-American, 0.0013%; no homozygotes.

Submissions (3):

Labcorp Genetics (formerly Invitae), Labcorp
Classification: Uncertain significance for Hereditary breast ovarian cancer syndrome. Last evaluated: 2025-02-11. Review status: criteria provided, single submitter. Criteria: Invitae Variant Classification Sherloc (09022015). Collection method: clinical testing. Allele origin: germline.
Comment: This sequence change replaces aspartic acid, which is acidic and polar, with glycine, which is neutral and non-polar, at codon 2110 of the BRCA2 protein (p.Asp2110Gly). This variant is present in population databases (no rsID available, gnomAD 0.01%). This variant has not been reported in the literature in individuals affected with BRCA2-related conditions. ClinVar contains an entry for this variant (Variation ID: 826326). Invitae Evidence Modeling of protein sequence and biophysical properties (such as structural, functional, and spatial information, amino acid conservation, physicochemical variation, residue mobility, and thermodynamic stability) indicates that this missense variant is not expected to disrupt BRCA2 protein function with a negative predictive value of 95%. In summary, the available evidence is currently insufficient to determine the role of this variant in disease. Therefore, it has been classified as a Variant of Uncertain Significance.

Ambry Genetics
Classification: Likely benign for Hereditary cancer-predisposing syndrome. Last evaluated: 2024-07-05. Review status: criteria provided, single submitter. Criteria: Ambry Variant Classification Scheme 2023. Collection method: clinical testing. Allele origin: germline.

University of Washington Department of Laboratory Medicine, University of Washington
Classification: Likely benign for Hereditary cancer-predisposing syndrome. Last evaluated: 2023-03-23. Review status: criteria provided, single submitter. Criteria: Dines et al. (Genet Med. 2020). Collection method: curation. Allele origin: germline.
Comment: Missense variant in a coldspot region where missense variants are very unlikely to be pathogenic (PMID:31911673).

BRCA2 exon 11 coldspot. Reclassification based on statistical prior probability.